The following is an entry in ClinVar:

NM_002769.5(PRSS1):c.592-2A>C

Genes: PRSS1 (serine protease 1; plus strand), TRB (T cell receptor beta locus; plus strand). Cytogenetic location: 7q34.
Variant type: single nucleotide variant.
Coding change: c.592-2A>C on transcript NM_002769.5 (MANE Select); the canonical splice acceptor site of the intron before coding-DNA position 592, A replaced by C.
Molecular consequence: splice acceptor variant.
Genome position (GRCh38, 1-based): chr7:142,752,866, A>C. VCF-style: chr7-142752866-A-C. GRCh37 (hg19) VCF-style: chr7-142460717-A-C.
Identifiers: ClinVar variation 811731 (VCV000811731.8), dbSNP rs1585991476, ClinGen allele CA369610557.

ClinVar aggregate classification (germline): Uncertain significance (1 of 4 stars; one submission).

Submission:

ARUP Laboratories, Molecular Genetics and Genomics, ARUP Laboratories
Classification: Uncertain significance. Last evaluated: 2018-08-13. Review status: criteria provided, single submitter. Criteria: ARUP Molecular Germline Variant Investigation Process. Collection method: clinical testing. Allele origin: germline.
Comment: The PRSS1 c.592-2A>C variant, to our knowledge, is not reported in the medical literature or gene specific databases. This variant is also absent from general population databases (1000 Genomes Project, Exome Variant Server, and Genome Aggregation Database), indicating it is not a common polymorphism. This variant abolishes the canonical splice acceptor site of intron 4. Because this variant affects splicing of the final exon of PRSS1, it may not lead to nonsense-mediated decay, though it would be predicted to truncate the final 49 amino acids of the protein. However, this variant is likely to be a loss-of-function allele, and primarily gain-of-function PRSS1 variants are associated with disease (Masson 2008, Sahin-Toth 2000). Given the lack of clinical and functional data, the significance of the c.592-2A>C variant is uncertain at this time. References: Masson E et al. Hereditary pancreatitis caused by a double gain-of-function trypsinogen mutation. Hum Genet. 2008 Jun;123(5):521-9. Sahin-Toth M and Toth M. Gain-of-function mutations associated with hereditary pancreatitis enhance autoactivation of human cationic trypsinogen. Biochem Biophys Res Commun. 2000 Nov 19;278(2):286-9.